The following is an entry in ClinVar:

ClinVar aggregate classification (germline): Uncertain significance. Review status: criteria provided, multiple submitters, no conflicts (2 of 4 stars). 2 submissions from 2 submitters: Uncertain significance (2). Last evaluated 2022-09-06.

Conditions:
Weill-Marchesani 4 syndrome, recessive. Also called: Weill-Marchesani syndrome 4. Identifiers: Orphanet 363992, MedGen C2750787, MONDO:0013176, OMIM 613195.

Allele frequency attached by ClinVar (database versions not stated): TOPMed below 0.00001; ExAC 0.00001; gnomAD 0.00001; gnomAD exomes 0.00001.
gnomAD v4.1: 29 of 1,614,056 alleles (0.0018%); highest among the groups gnomAD compares: East Asian, 0.04%; no homozygotes.

Submissions (2):

Labcorp Genetics (formerly Invitae), Labcorp
Classification: Uncertain significance. Last evaluated: 2022-09-06. Review status: criteria provided, single submitter. Criteria: Invitae Variant Classification Sherloc (09022015). Collection method: clinical testing. Allele origin: germline.
Comment: This variant has not been reported in the literature in individuals affected with ADAMTS17-related conditions. This variant is present in population databases (rs760792591, gnomAD 0.01%). This sequence change falls in intron 14 of the ADAMTS17 gene. It does not directly change the encoded amino acid sequence of the ADAMTS17 protein. It affects a nucleotide within the consensus splice site. ClinVar contains an entry for this variant (Variation ID: 885549). In summary, the available evidence is currently insufficient to determine the role of this variant in disease. Therefore, it has been classified as a Variant of Uncertain Significance. Variants that disrupt the consensus splice site are a relatively common cause of aberrant splicing (PMID: 17576681, 9536098). Algorithms developed to predict the effect of sequence changes on RNA splicing suggest that this variant is not likely to affect RNA splicing.

Illumina Laboratory Services, Illumina
Classification: Uncertain significance for Weill-Marchesani 4 syndrome, recessive. Last evaluated: 2018-01-12. Review status: criteria provided, single submitter. Criteria: ICSL Variant Classification Criteria 13 December 2019. Collection method: clinical testing. Allele origin: germline.

Literature cited by the submitters: PubMed 17576681 (cited by Labcorp Genetics (formerly Invitae), Labcorp); PubMed 9536098 (cited by Labcorp Genetics (formerly Invitae), Labcorp).

NM_139057.4(ADAMTS17):c.2017-3T>C

Gene: ADAMTS17 (ADAM metallopeptidase with thrombospondin type 1 motif 17; minus strand). Cytogenetic location: 15q26.3.
Variant type: single nucleotide variant.
Coding change: c.2017-3T>C on transcript NM_139057.4 (MANE Select); 3 bases into the intron before coding-DNA position 2017, T replaced by C.
Molecular consequence: intron variant.
Genome position (GRCh38, 1-based): chr15:100,096,479, A>G on the plus strand (T>C on the coding strand, the complement: ADAMTS17 is on the minus strand). VCF-style: chr15-100096479-A-G. GRCh37 (hg19) VCF-style: chr15-100636684-A-G.
Identifiers: ClinVar variation 885549 (VCV000885549.9), dbSNP rs760792591, ClinGen allele CA7757920.